The following is an entry in ClinVar:

ClinVar aggregate classification (germline): Uncertain significance. Review status: criteria provided, multiple submitters, no conflicts (2 of 4 stars). 2 submissions from 2 submitters: Uncertain significance (2). Last evaluated 2025-10-15.

Conditions:
USH2A-related disorder. Also called: USH2A-related condition; USH2A-related disorders. Identifiers: MedGen CN239332.

Allele frequency attached by ClinVar (database versions not stated): TOPMed below 0.00001; ExAC 0.00002; gnomAD exomes 0.00002.
gnomAD v4.1: 26 of 1,613,810 alleles (0.0016%); highest among the groups gnomAD compares: South Asian, 0.02%; no homozygotes.

Submissions (2):

PreventionGenetics, part of Exact Sciences
Classification: Uncertain significance for USH2A-related condition. Last evaluated: 2025-10-15. Review status: criteria provided, single submitter. Criteria: ACMG Guidelines, 2015. Collection method: clinical testing. Allele origin: germline.
Comment: The USH2A c.4568T>C variant is predicted to result in the amino acid substitution p.Ile1523Thr. To our knowledge, this variant has not been reported in the literature. This variant is reported in 0.020% of alleles in individuals of South Asian descent in gnomAD. At this time, the clinical significance of this variant is uncertain due to the absence of conclusive functional and genetic evidence.

Labcorp Genetics (formerly Invitae), Labcorp
Classification: Uncertain significance. Last evaluated: 2022-07-06. Review status: criteria provided, single submitter. Criteria: Invitae Variant Classification Sherloc (09022015). Collection method: clinical testing. Allele origin: germline.
Comment: This sequence change replaces isoleucine, which is neutral and non-polar, with threonine, which is neutral and polar, at codon 1523 of the USH2A protein (p.Ile1523Thr). This variant is present in population databases (rs774349095, gnomAD 0.02%). This variant has not been reported in the literature in individuals affected with USH2A-related conditions. Algorithms developed to predict the effect of missense changes on protein structure and function output the following: SIFT: "Tolerated"; PolyPhen-2: "Benign"; Align-GVGD: "Class C0". The threonine amino acid residue is found in multiple mammalian species, which suggests that this missense change does not adversely affect protein function. In summary, the available evidence is currently insufficient to determine the role of this variant in disease. Therefore, it has been classified as a Variant of Uncertain Significance.

NM_206933.4(USH2A):c.4568T>C (p.Ile1523Thr)

Gene: USH2A (usherin; minus strand). Cytogenetic location: 1q41.
Variant type: single nucleotide variant.
Coding change: c.4568T>C on transcript NM_206933.4 (MANE Select); coding-DNA position 4568, T replaced by C.
Protein change: p.Ile1523Thr; replaces isoleucine 1523 with threonine.
Molecular consequence: missense variant.
Genome position (GRCh38, 1-based): chr1:216,175,311, A>G on the plus strand (T>C on the coding strand, the complement: USH2A is on the minus strand). VCF-style: chr1-216175311-A-G. GRCh37 (hg19) VCF-style: chr1-216348653-A-G.
Other names: c.4568T>C, p.Ile1523Thr (NM_007123.6); c.4568T>C (NM_206933.2); short protein forms I1523T.
Identifiers: ClinVar variation 2154617 (VCV002154617.2), dbSNP rs774349095, ClinGen allele CA1395689.